The following is an entry in ClinVar:

ClinVar aggregate classification (germline): Likely benign (1 of 4 stars; one submission).

Allele frequency attached by ClinVar (database versions not stated): TOPMed 0.00113; 1000 Genomes Project 30x 0.00156; 1000 Genomes Project 0.00200; gnomAD 0.00239 and 0.00240.
gnomAD v4.1: 2,967 of 1,037,070 alleles (0.29%); highest among the groups gnomAD compares: East Asian, 0.66%; 8 homozygotes.

Submission:

GeneDx
Classification: Likely benign. Last evaluated: 2018-06-14. Review status: criteria provided, single submitter. Criteria: GeneDx Variant Classification (06012015). Collection method: clinical testing. Allele origin: germline. Affected: yes.
Comment: This variant is considered likely benign or benign based on one or more of the following criteria: it is a conservative change, it occurs at a poorly conserved position in the protein, it is predicted to be benign by multiple in silico algorithms, and/or has population frequency not consistent with disease.

NM_018699.4(PRDM5):c.651-97C>T

Gene: PRDM5 (PR/SET domain 5; minus strand). Cytogenetic location: 4q27.
Variant type: single nucleotide variant.
Coding change: c.651-97C>T on transcript NM_018699.4 (MANE Select); 97 bases into the intron before coding-DNA position 651, C replaced by T.
Molecular consequence: intron variant.
Genome position (GRCh38, 1-based): chr4:120,817,021, G>A on the plus strand (C>T on the coding strand, the complement: PRDM5 is on the minus strand). VCF-style: chr4-120817021-G-A. GRCh37 (hg19) VCF-style: chr4-121738176-G-A.
Other names: c.651-447C>T (NM_001300824.2, NM_001379106.1, NM_001300823.2); c.651-97C>T (NM_001379104.1).
Identifiers: ClinVar variation 679619 (VCV000679619.1), dbSNP rs143516568, ClinGen allele CA105121775.
Genomic context (GRCh38, chr4:120,817,021, plus strand): 5'-CAAAAACTGGAACTCTAAGACAAAAATGAAACTACACTAACTCTGAATAAAGTCATGTTC[G>A]TGATCCCTTTTTTCATTGTCTTTTGCCTTTTTAAATTTTTAGCAGTACCTTAACTATAAG-3'